The following is an entry in ClinVar:

ClinVar aggregate classification (germline): Uncertain significance (1 of 4 stars; one submission).

Submission:

Labcorp Genetics (formerly Invitae), Labcorp
Classification: Uncertain significance. Last evaluated: 2022-05-07. Review status: criteria provided, single submitter. Criteria: Invitae Variant Classification Sherloc (09022015). Collection method: clinical testing. Allele origin: germline.
Comment: In summary, the available evidence is currently insufficient to determine the role of this variant in disease. Therefore, it has been classified as a Variant of Uncertain Significance. This sequence change replaces glutamic acid, which is acidic and polar, with lysine, which is basic and polar, at codon 490 of the ARHGEF18 protein (p.Glu490Lys). This variant is not present in population databases (gnomAD no frequency). This variant has not been reported in the literature in individuals affected with ARHGEF18-related conditions. Algorithms developed to predict the effect of missense changes on protein structure and function are either unavailable or do not agree on the potential impact of this missense change (SIFT: "Deleterious"; PolyPhen-2: "Benign"; Align-GVGD: "Class C15").

NM_001367823.1(ARHGEF18):c.2032G>A (p.Glu678Lys)

Gene: ARHGEF18 (Rho/Rac guanine nucleotide exchange factor 18; plus strand). Cytogenetic location: 19p13.2.
Variant type: single nucleotide variant.
Coding change: c.2032G>A on transcript NM_001367823.1 (MANE Select); coding-DNA position 2032, G replaced by A.
Protein change: p.Glu678Lys; replaces glutamic acid 678 with lysine.
Molecular consequence: missense variant.
Genome position (GRCh38, 1-based): chr19:7,453,643, G>A. VCF-style: chr19-7453643-G-A. GRCh37 (hg19) VCF-style: chr19-7518529-G-A.
Other names: c.1306G>A, p.Glu436Lys (NM_001130955.2); c.994G>A, p.Glu332Lys (NM_001367824.1, NM_015318.4); short protein forms E678K, E436K, E332K.
Identifiers: ClinVar variation 2135036 (VCV002135036.4), dbSNP rs2512274609, ClinGen allele CA403113245.